The following is an entry in ClinVar:

NM_000254.3(MTR):c.3205-9G>A

Gene: MTR (5-methyltetrahydrofolate-homocysteine methyltransferase; plus strand). Cytogenetic location: 1q43.
Variant type: single nucleotide variant.
Coding change: c.3205-9G>A on transcript NM_000254.3 (MANE Select); 9 bases into the intron before coding-DNA position 3205, G replaced by A.
Molecular consequence: intron variant.
Genome position (GRCh38, 1-based): chr1:236,894,348, G>A. VCF-style: chr1-236894348-G-A. GRCh37 (hg19) VCF-style: chr1-237057648-G-A.
Other names: c.3052-9G>A (NM_001291939.1); c.1984-9G>A (NM_001291940.2).
Identifiers: ClinVar variation 1489673 (VCV001489673.7), dbSNP rs1666501324, ClinGen allele CA2573132827.

ClinVar aggregate classification (germline): Uncertain significance (1 of 4 stars; one submission).

Conditions:
Methylcobalamin deficiency type cblG (HMAG). Also called: HOMOCYSTINURIA-MEGALOBLASTIC ANEMIA, cblG TYPE; HOMOCYSTINURIA-MEGALOBLASTIC ANEMIA, cblG COMPLEMENTATION TYPE; Functional methionine synthase deficiency type cblG; HOMOCYSTINURIA-MEGALOBLASTIC ANEMIA DUE TO DEFECT IN COBALAMIN METABOLISM, cblG COMPLEMENTATION TYPE. Identifiers: Orphanet 2170, Orphanet 622, MedGen C1855128, MONDO:0009609, OMIM 250940.

Submission:

Labcorp Genetics (formerly Invitae), Labcorp
Classification: Uncertain significance for Methylcobalamin deficiency type cblG. Last evaluated: 2024-08-13. Review status: criteria provided, single submitter. Criteria: Invitae Variant Classification Sherloc (09022015). Collection method: clinical testing. Allele origin: germline.
Comment: This sequence change falls in intron 29 of the MTR gene. It does not directly change the encoded amino acid sequence of the MTR protein. This variant is not present in population databases (gnomAD no frequency). This variant has not been reported in the literature in individuals affected with MTR-related conditions. ClinVar contains an entry for this variant (Variation ID: 1489673). Algorithms developed to predict the effect of sequence changes on RNA splicing suggest that this variant may disrupt the consensus splice site. In summary, the available evidence is currently insufficient to determine the role of this variant in disease. Therefore, it has been classified as a Variant of Uncertain Significance.